The following is an entry in ClinVar:

NM_032620.4(GTPBP3):c.413C>T (p.Ala138Val)

Gene: GTPBP3 (GTP binding protein 3, mitochondrial; plus strand). Cytogenetic location: 19p13.11.
Variant type: single nucleotide variant.
Coding change: c.413C>T on transcript NM_032620.4 (MANE Select); coding-DNA position 413, C replaced by T.
Protein change: p.Ala138Val; replaces alanine 138 with valine.
Molecular consequence: missense variant.
Genome position (GRCh38, 1-based): chr19:17,338,563, C>T. VCF-style: chr19-17338563-C-T. GRCh37 (hg19) VCF-style: chr19-17449372-C-T.
Other names: c.413C>T, p.Ala138Val (NM_001128855.3, NM_133644.4); c.479C>T, p.Ala160Val (NM_001195422.1); short protein forms A138V, A160V.
Identifiers: ClinVar variation 1802683 (VCV001802683.1), dbSNP rs770906277, ClinGen allele CA9293353.

ClinVar aggregate classification (germline): Likely pathogenic (1 of 4 stars; one submission).

Allele frequency attached by ClinVar (database versions not stated): ExAC 0.00001.

Submission:

Pediatric Department, Xiangya Hospital, Central South University
Classification: Likely pathogenic. Review status: criteria provided, single submitter. Criteria: ACMG Guidelines, 2015. Collection method: clinical testing. Allele origin: inherited. Inheritance: Autosomal recessive inheritance. Affected: yes.
Comment: This variant was observed in compound heterozygosity with variant (c.509_510delAG)